The following is an entry in ClinVar:

NM_001378615.1(CC2D2A):c.4180-5T>C

Genes: CC2D2A (coiled-coil and C2 domain containing 2A; plus strand), FBXL5 (F-box and leucine rich repeat protein 5; minus strand). Cytogenetic location: 4p15.32.
Variant type: single nucleotide variant.
Coding change: c.4180-5T>C on transcript NM_001378615.1 (MANE Select); 5 bases into the intron before coding-DNA position 4180, T replaced by C.
Molecular consequence: intron variant.
Genome position (GRCh38, 1-based): chr4:15,589,540, T>C. VCF-style: chr4-15589540-T-C. GRCh37 (hg19) VCF-style: chr4-15591163-T-C.
Other names: c.4180-5T>C (NM_001080522.2); c.4033-5T>C (NM_001378617.1).
Identifiers: ClinVar variation 1057331 (VCV001057331.11), dbSNP rs766234817, ClinGen allele CA2864345.

ClinVar aggregate classification (germline): Uncertain significance (1 of 4 stars; one submission).

Conditions:
Joubert syndrome. Also called: JOUBERT-BOLTSHAUSER SYNDROME; Familial aplasia of the vermis. Identifiers: Orphanet 475, MedGen C5979921, MONDO:0018772.
Meckel-Gruber syndrome. Also called: Dysencephalia splachnocystica; DYSENCEPHALIA SPLANCHNOCYSTICA; GRUBER SYNDROME. Identifiers: Orphanet 564, MedGen C0265215, MONDO:0018921.

Allele frequency attached by ClinVar (database versions not stated): gnomAD exomes below 0.00001; ExAC 0.00001; gnomAD 0.00001; TOPMed 0.00001.

Submission:

Labcorp Genetics (formerly Invitae), Labcorp
Classification: Uncertain significance for Joubert syndrome; Meckel-Gruber syndrome. Last evaluated: 2020-02-07. Review status: criteria provided, single submitter. Criteria: Invitae Variant Classification Sherloc (09022015). Collection method: clinical testing. Allele origin: germline.
Comment: This variant is present in population databases (rs766234817, ExAC 0.01%). This sequence change falls in intron 33 of the CC2D2A gene. It does not directly change the encoded amino acid sequence of the CC2D2A protein. In summary, the available evidence is currently insufficient to determine the role of this variant in disease. Therefore, it has been classified as a Variant of Uncertain Significance. Algorithms developed to predict the effect of sequence changes on RNA splicing suggest that this variant may disrupt the consensus splice site, but this prediction has not been confirmed by published transcriptional studies. This variant has not been reported in the literature in individuals with CC2D2A-related conditions.